The following is an entry in ClinVar:

ClinVar aggregate classification (germline): Likely benign. Review status: criteria provided, multiple submitters, no conflicts (2 of 4 stars). 2 submissions from 2 submitters: Likely benign (2). Last evaluated 2026-06-14.

Conditions:
WWOX-related disorder. Also called: WWOX-related condition.
Developmental and epileptic encephalopathy, 1 (DEE1). Also called: INFANTILE SPASM SYNDROME, X-LINKED 1; X-linked infantile spasms; West's syndrome; Tonic spasms with clustering, arrest of psychomotor development and hypsarrhythmia on EEG; X-Linked Infantile Spasm Syndrome; OHTAHARA SYNDROME, X-LINKED. Identifiers: MedGen C3463992, MONDO:0010632, OMIM 308350. Disease mechanism: loss of function.
Autosomal recessive spinocerebellar ataxia 12. Also called: SPINOCEREBELLAR ATAXIA WITH MENTAL RETARDATION AND EPILEPSY. Identifiers: Orphanet 284282, MedGen C3280452, MONDO:0013687, OMIM 614322.

Allele frequency attached by ClinVar (database versions not stated): gnomAD exomes below 0.00001.
gnomAD v4.1: 4 of 1,614,102 alleles (0.00025%); highest among the groups gnomAD compares: Non-Finnish European, 0.00034%; no homozygotes.

Submissions (2):

PreventionGenetics, part of Exact Sciences
Classification: Likely benign for WWOX-related condition. Last evaluated: 2026-06-14. Review status: criteria provided, single submitter. Criteria: ACMG Guidelines, 2015. Collection method: clinical testing. Allele origin: germline.
Comment: This variant is classified as likely benign based on ACMG/AMP sequence variant interpretation guidelines (Richards et al. 2015 PMID: 25741868, with internal and published modifications).

Labcorp Genetics (formerly Invitae), Labcorp
Classification: Likely benign for Developmental and epileptic encephalopathy, 1; Autosomal recessive spinocerebellar ataxia 12. Last evaluated: 2023-05-11. Review status: criteria provided, single submitter. Criteria: Invitae Variant Classification Sherloc (09022015). Collection method: clinical testing. Allele origin: germline.

NM_016373.4(WWOX):c.531A>G (p.Val177=)

Gene: WWOX (WW domain containing oxidoreductase; plus strand). Cytogenetic location: 16q23.1.
Variant type: single nucleotide variant.
Coding change: c.531A>G on transcript NM_016373.4 (MANE Select); coding-DNA position 531, A replaced by G.
Protein change: p.Val177=; no amino-acid change (valine 177 retained).
Molecular consequence: synonymous variant.
Genome position (GRCh38, 1-based): chr16:78,386,874, A>G. VCF-style: chr16-78386874-A-G. GRCh37 (hg19) VCF-style: chr16-78420771-A-G.
Other names: c.192A>G, p.Val64= (NM_001291997.2); c.531A>G (NM_016373.3).
Identifiers: ClinVar variation 1087645 (VCV001087645.8), dbSNP rs1451196383, ClinGen allele CA496610667.
Genomic context (GRCh38, chr16:78,386,874, plus strand): 5'-ACACTTGCTGTTATTTATCATTTCTTTTTATTTTCTCTCATTGCAGCATAAAGCCAAGGT[A>G]GAAGCAATGACCCTGGACCTCGCTCTGCTCCGTAGCGTGCAGCATTTTGCTGAAGCATTC-3'
Protein context (NP_057457.1, residues 167-187): RILEEWHKAK[Val177=]EAMTLDLALL